The following is an entry in ClinVar:

ClinVar aggregate classification (germline): Likely benign. Review status: criteria provided, multiple submitters, no conflicts (2 of 4 stars). 4 submissions from 4 submitters: Likely benign (2). 2 of the submissions do not count toward it. Last evaluated 2025-09-07.

Conditions:
Fanconi anemia (FA). Also called: Fanconi's anemia. Identifiers: Orphanet 84, MedGen C0015625, MeSH D005199, MONDO:0019391.
FANCA-related disorder. Also called: FANCA-related condition.
Inborn genetic diseases. Identifiers: MedGen C0950123, MeSH D030342.

Allele frequency attached by ClinVar (database versions not stated): TOPMed 0.00003.
gnomAD v4.1: 52 of 1,613,366 alleles (0.0032%); highest among the groups gnomAD compares: Non-Finnish European, 0.0042%; no homozygotes.

Submissions (4):

Labcorp Genetics (formerly Invitae), Labcorp
Classification: Likely benign for Fanconi anemia. Last evaluated: 2025-09-07. Review status: criteria provided, single submitter. Criteria: Invitae Variant Classification Sherloc (09022015). Collection method: clinical testing. Allele origin: germline.

Ambry Genetics
Classification: Likely benign for Inborn genetic diseases. Last evaluated: 2024-11-23. Review status: criteria provided, single submitter. Criteria: Ambry Variant Classification Scheme 2023. Collection method: clinical testing. Allele origin: germline.

PreventionGenetics, part of Exact Sciences
Classification: Likely benign for FANCA-related condition. Last evaluated: 2023-08-01. Review status: no assertion criteria provided. Collection method: clinical testing. Allele origin: germline. Not counted in ClinVar's aggregate classification.
Comment: This variant is classified as likely benign based on ACMG/AMP sequence variant interpretation guidelines (Richards et al. 2015 PMID: 25741868, with internal and published modifications).

Natera, Inc.
Classification: Likely benign for Fanconi anemia. Last evaluated: 2020-07-08. Review status: no assertion criteria provided. Collection method: clinical testing. Allele origin: germline. Not counted in ClinVar's aggregate classification.

NM_000135.4(FANCA):c.255C>A (p.Ala85=)

Gene: FANCA (FA complementation group A; minus strand). Cytogenetic location: 16q24.3.
Variant type: single nucleotide variant.
Coding change: c.255C>A on transcript NM_000135.4 (MANE Select); coding-DNA position 255, C replaced by A.
Protein change: p.Ala85=; no amino-acid change (alanine 85 retained).
Molecular consequence: synonymous variant.
Genome position (GRCh38, 1-based): chr16:89,814,548, G>T on the plus strand (C>A on the coding strand, the complement: FANCA is on the minus strand). VCF-style: chr16-89814548-G-T. GRCh37 (hg19) VCF-style: chr16-89880956-G-T.
Other names: c.255C>A, p.Ala85= (NM_001018112.3, NM_001286167.3, NM_001351830.2).
Identifiers: ClinVar variation 700591 (VCV000700591.15), dbSNP rs780353222, ClinGen allele CA497196569.
Genomic context (GRCh38, chr16:89,814,548, plus strand): 5'-TTCAAAATAGAGAAAATGAAGCTATAACTTACCTATAAATGAACTAGAATGATTAGCATA[G>T]GCCTCAGAACTGTCACAGTCAATCACTTTGCTGAGAGACAATTTTTTACACAGTGGACCT-3'
Protein context (NP_000126.2, residues 75-95): SKVIDCDSSE[Ala85=]YANHSSSFIG